The following is an entry in ClinVar:

ClinVar aggregate classification (germline): Uncertain significance (1 of 4 stars; one submission).

Submission:

Ambry Genetics
Classification: Uncertain significance. Last evaluated: 2024-12-31. Review status: criteria provided, single submitter. Criteria: Ambry Variant Classification Scheme 2023. Collection method: clinical testing. Allele origin: germline.
Comment: The p.T1083A variant (also known as c.3247A>G), located in coding exon 1 of the MLH3 gene, results from an A to G substitution at nucleotide position 3247. The threonine at codon 1083 is replaced by alanine, an amino acid with similar properties. This amino acid position is conserved. In addition, the in silico prediction for this alteration is inconclusive. Based on the available evidence, the clinical significance of this variant remains unclear.

NM_001040108.2(MLH3):c.3247A>G (p.Thr1083Ala)

Gene: MLH3 (mutL homolog 3; minus strand). Cytogenetic location: 14q24.3.
Variant type: single nucleotide variant.
Coding change: c.3247A>G on transcript NM_001040108.2 (MANE Select); coding-DNA position 3247, A replaced by G.
Protein change: p.Thr1083Ala; replaces threonine 1083 with alanine.
Molecular consequence: missense variant.
Genome position (GRCh38, 1-based): chr14:75,046,409, T>C on the plus strand (A>G on the coding strand, the complement: MLH3 is on the minus strand). VCF-style: chr14-75046409-T-C. GRCh37 (hg19) VCF-style: chr14-75513112-T-C.
Other names: c.3247A>G, p.Thr1083Ala (NM_014381.3); short protein forms T1083A.
Identifiers: ClinVar variation 3873483 (VCV003873483.1).